The following is an entry in ClinVar:

NM_001080453.3(INTS1):c.2625C>G (p.Leu875=)

Gene: INTS1 (integrator complex subunit 1; minus strand). Cytogenetic location: 7p22.3.
Variant type: single nucleotide variant.
Coding change: c.2625C>G on transcript NM_001080453.3 (MANE Select); coding-DNA position 2625, C replaced by G.
Protein change: p.Leu875=; no amino-acid change (leucine 875 retained).
Molecular consequence: synonymous variant.
Genome position (GRCh38, 1-based): chr7:1,487,341, G>C on the plus strand (C>G on the coding strand, the complement: INTS1 is on the minus strand). VCF-style: chr7-1487341-G-C. GRCh37 (hg19) VCF-style: chr7-1526977-G-C.
Identifiers: ClinVar variation 2657202 (VCV002657202.24), dbSNP rs775365622, ClinGen allele CA4119720.
Genomic context (GRCh38, chr7:1,487,341, plus strand): 5'-AAGACCACCATCTCTACCTCCTGGAGCCTCGGCACTCACCTGCCGCTGGATGATGTGGAG[G>C]AGAAAGTCAGGGTTTCGGCTGCGGCACAAGAGGTGCCCGAGGCGGAGGGACTGGTTGAGG-3'
Protein context (NP_001073922.2, residues 865-885): LLCRSRNPDF[Leu875=]LHIIQRQASS

ClinVar aggregate classification (germline): Likely benign (1 of 4 stars; one submission).

Allele frequency attached by ClinVar (database versions not stated): gnomAD 0.00001; ExAC 0.00002.
gnomAD v4.1: 5 of 1,603,878 alleles (0.00031%); highest among the groups gnomAD compares: South Asian, 0.0022%; no homozygotes.

Submission:

CeGaT Center for Human Genetics Tuebingen
Classification: Likely benign. Last evaluated: 2023-01-01. Review status: criteria provided, single submitter. Criteria: CeGaT Center For Human Genetics Tuebingen Variant Classification Criteria Version 2. Collection method: clinical testing. Allele origin: germline. Affected: yes. Observed: 1 variant allele.
Comment: INTS1: BP4, BP7